The following is an entry in ClinVar:

NM_000503.6(EYA1):c.*800T>C

Gene: EYA1 (EYA transcriptional coactivator and phosphatase 1; minus strand). Cytogenetic location: 8q13.3.
Variant type: single nucleotide variant.
Coding change: c.*800T>C on transcript NM_000503.6 (MANE Select); 800 bases downstream of the stop codon, T replaced by C.
Molecular consequence: 3 prime UTR variant.
Genome position (GRCh38, 1-based): chr8:71,198,540, A>G on the plus strand (T>C on the coding strand, the complement: EYA1 is on the minus strand). VCF-style: chr8-71198540-A-G. GRCh37 (hg19) VCF-style: chr8-72110775-A-G.
Other names: c.*800T>C (NM_001288574.2, NM_001288575.2, NM_001370333.1 and 5 more transcripts).
Identifiers: ClinVar variation 363636 (VCV000363636.6), dbSNP rs74862574, ClinGen allele CA10631477.

ClinVar aggregate classification (germline): Benign. Review status: criteria provided, multiple submitters, no conflicts (2 of 4 stars). 3 submissions from 2 submitters: Benign (3). Last evaluated 2018-01-13.

Conditions:
Otofaciocervical syndrome 1 (OTFCS). Identifiers: MedGen C3714941, MONDO:0024532, OMIM 166780.
Branchiootic syndrome 1 (BOS1). Also called: BO SYNDROME 1; BRANCHIOOTIC DYSPLASIA. Identifiers: MedGen C1865143, MONDO:0011258, OMIM 602588.

Allele frequency attached by ClinVar (database versions not stated): gnomAD 0.07033 and 0.07544; TOPMed 0.07804; 1000 Genomes Project 0.08307; 1000 Genomes Project 30x 0.08557.

Submissions (3):

Illumina Laboratory Services, Illumina
Classification: Benign for Branchiootic syndrome. Last evaluated: 2018-01-13. Review status: criteria provided, single submitter. Criteria: ICSL Variant Classification Criteria 13 December 2019. Collection method: clinical testing. Allele origin: germline.
Comment: This variant was observed in the ICSL laboratory as part of a predisposition screen in an ostensibly healthy population. It had not been previously curated by ICSL or reported in the Human Gene Mutation Database (HGMD: prior to June 1st, 2018), and was therefore a candidate for classification through an automated scoring system. Utilizing variant allele frequency, disease prevalence and penetrance estimates, and inheritance mode, an automated score was calculated to assess if this variant is too frequent to cause the disease. Based on the score and internal cut-off values, a variant classified as benign is not then subjected to further curation. The score for this variant resulted in a classification of benign for this disease.

Illumina Laboratory Services, Illumina
Classification: Benign for Otofaciocervical syndrome 1. Last evaluated: 2018-01-13. Review status: criteria provided, single submitter. Criteria: ICSL Variant Classification Criteria 13 December 2019. Collection method: clinical testing. Allele origin: germline.
Comment: the same text as in the submission from Illumina Laboratory Services, Illumina above.

Breakthrough Genomics
Classification: Benign. Review status: criteria provided, single submitter. Criteria: ACMG Guidelines, 2015. Collection method: not provided. Allele origin: germline. Inheritance: Autosomal dominant inheritance. Affected: yes.